The following is an entry in ClinVar:

NM_000540.3(RYR1):c.12242C>T (p.Thr4081Met)

Gene: RYR1 (ryanodine receptor 1; plus strand). Cytogenetic location: 19q13.2.
Variant type: single nucleotide variant.
Coding change: c.12242C>T on transcript NM_000540.3 (MANE Select); coding-DNA position 12242, C replaced by T.
Protein change: p.Thr4081Met; replaces threonine 4081 with methionine.
Molecular consequence: missense variant.
Genome position (GRCh38, 1-based): chr19:38,548,380, C>T. VCF-style: chr19-38548380-C-T. GRCh37 (hg19) VCF-style: chr19-39039020-C-T.
Other names: c.12227C>T, p.Thr4076Met (NM_001042723.2); short protein forms T4081M, T4076M.
Identifiers: ClinVar variation 1029908 (VCV001029908.17), dbSNP rs373406011, ClinGen allele CA058500.

ClinVar aggregate classification (germline): Uncertain significance. Review status: reviewed by expert panel (3 of 4 stars). 7 submissions from 7 submitters: Uncertain significance (1). 6 of the submissions do not count toward it. Last evaluated 2025-08-01.

Conditions:
Malignant hyperthermia, susceptibility to, 1 (MHS1). Also called: RYR1-Related Malignant Hyperthermia Susceptibility; Anesthesia related hyperthermia; Malignant hyperpyrexia; Fulminating hyperpyrexia; Pharmacogenic myopathy; Malignant hyperthermia suceptibility 1. Identifiers: Orphanet 423, MedGen C2930980, MONDO:0007783, OMIM 145600.
RYR1-related disorder. Also called: RYR1-related disorders; RYR1-related condition. Identifiers: MedGen CN239331.

Allele frequency attached by ClinVar (database versions not stated): gnomAD 0.00005; ExAC 0.00002; TOPMed 0.00009; gnomAD exomes 0.00002 and 0.00005.
gnomAD v4.1: 37 of 1,614,018 alleles (0.0023%); highest among the groups gnomAD compares: East Asian, 0.02%; 1 homozygote.

Submissions (7):

ClinGen Malignant Hyperthermia Susceptibility Variant Curation Expert Panel, ClinGen
Classification: Uncertain significance for Malignant hyperthermia, susceptibility to, 1. Last evaluated: 2025-08-01. Review status: reviewed by expert panel. Criteria: ClinGen MHS ACMG Specifications V2. Collection method: curation. Allele origin: germline. Inheritance: Autosomal dominant inheritance.
Comment: This pathogenicity assessment is relevant only for malignant hyperthermia susceptibility (MHS) inherited in an autosomal dominant pattern. Variants in RYR1 can also cause other myopathies inherited in an autosomal dominant pattern or in an autosomal recessive pattern. Some of these disorders may predispose individuals to malignant hyperthermia. RYR1 variants may also contribute to a malignant hyperthermia reaction in combination with other genetic and non-genetic factors and the clinician needs to consider such factors in making management decisions. This sequence variant predicts a substitution of threonine with methionine at codon 4081 of the RYR1 protein, p.(Thr4081Met). The maximum allele frequency for this variant among the six major gnomAD populations is EAS: 0.00033, a frequency consistent with pathogenicity for MHS. This variant has been reported in an individual with a personal or family history of an MH episode without an in vitro contracture test (IVCT) or caffeine halothane contracture test (CHCT) result (PMID:16732084). A functional study using [3H]ryanodine in HEK293 cells showed altered activity of this variant compared to wild-type but this study did not meet the VCEP criteria for a well-established functional study (PMID:27558158). This variant does not reside in a hotspot for pathogenic variants that contribute to MHS. A REVEL score of 0.649 supports neither a pathogenic nor a benign status for this variant. This variant has been classified as a Variant of Unknown Significance. No criteria implemented.

Color Diagnostics, LLC DBA Color Health
Classification: Uncertain significance for Malignant hyperthermia, susceptibility to, 1. Last evaluated: 2024-05-20. Review status: criteria provided, single submitter. Criteria: ACMG Guidelines, 2015. Collection method: clinical testing. Allele origin: germline. Not counted in ClinVar's aggregate classification.
Comment: This missense variant replaces threonine with methionine at codon 4081 of the RYR1 protein. Computational prediction is inconclusive regarding the impact of this variant on protein structure and function. A functional study has shown that this variant has slightly decreased affinity of Ca2+ for channel inactivation in HEK293 cells (PMID: 27558158). This variant has been reported in an individual affected with a malignant hyperthermia episode without an in vitro contracture test or caffeine halothane contracture test result (PMID: 16732084). This variant has been identified in 12/251486 chromosomes in the general population by the Genome Aggregation Database (gnomAD). The available evidence is insufficient to determine the role of this variant in disease conclusively. Therefore, this variant is classified as a Variant of Uncertain Significance.

Athena Diagnostics
Classification: Uncertain significance. Last evaluated: 2024-03-08. Review status: criteria provided, single submitter. Criteria: Athena Diagnostics Criteria. Collection method: clinical testing. Allele origin: unknown. Not counted in ClinVar's aggregate classification.

Labcorp Genetics (formerly Invitae), Labcorp
Classification: Uncertain significance for RYR1-related disorder. Last evaluated: 2022-08-16. Review status: criteria provided, single submitter. Criteria: Invitae Variant Classification Sherloc (09022015). Collection method: clinical testing. Allele origin: germline. Not counted in ClinVar's aggregate classification.
Comment: This sequence change replaces threonine, which is neutral and polar, with methionine, which is neutral and non-polar, at codon 4081 of the RYR1 protein (p.Thr4081Met). This variant is present in population databases (rs373406011, gnomAD 0.03%). This missense change has been observed in individual(s) with RYR1-related conditions (PMID: 16732084, 31130284). This variant is also known as c.12227C>T (p.Thr4076Met). ClinVar contains an entry for this variant (Variation ID: 1029908). Advanced modeling of protein sequence and biophysical properties (such as structural, functional, and spatial information, amino acid conservation, physicochemical variation, residue mobility, and thermodynamic stability) performed at Invitae indicates that this missense variant is expected to disrupt RYR1 protein function. Experimental studies have shown that this missense change does not substantially affect RYR1 function (PMID: 27558158). In summary, the available evidence is currently insufficient to determine the role of this variant in disease. Therefore, it has been classified as a Variant of Uncertain Significance.

Revvity Omics, Revvity
Classification: Uncertain significance. Last evaluated: 2022-06-09. Review status: criteria provided, single submitter. Criteria: ACMG Guidelines, 2015. Collection method: clinical testing. Allele origin: germline. Not counted in ClinVar's aggregate classification.

Blueprint Genetics
Classification: Uncertain significance. Last evaluated: 2020-02-05. Review status: criteria provided, single submitter. Criteria: ACMG Guidelines, 2015. Collection method: clinical testing. Allele origin: germline. Not counted in ClinVar's aggregate classification.

GeneDx
Classification: Uncertain significance. Last evaluated: 2019-11-01. Review status: criteria provided, single submitter. Criteria: GeneDx Variant Classification Process June 2021. Collection method: clinical testing. Allele origin: germline. Affected: yes. Not counted in ClinVar's aggregate classification.
Comment: Not observed at a significant frequency in large population cohorts (Lek et al., 2016); In silico analysis, which includes protein predictors and evolutionary conservation, supports a deleterious effect; This variant is associated with the following publications: (PMID: 31130284, 27558158, 16917943)

Literature cited by the submitters: PubMed 16732084 (cited by 3 submitters); PubMed 27558158 (cited by 3 submitters); PubMed 31130284 (cited by Athena Diagnostics and Labcorp Genetics (formerly Invitae), Labcorp).